The following is an entry in ClinVar:

ClinVar aggregate classification (germline): Pathogenic (3 of 4 stars; one submission).

Conditions:
Breast-ovarian cancer, familial, susceptibility to, 2 (BROVCA2). Also called: BRCA2 Hereditary Breast and Ovarian Cancer. Identifiers: Orphanet 145, MedGen C2675520, MONDO:0012933, OMIM 612555. Disease mechanism: loss of function.

Allele frequency attached by ClinVar (database versions not stated): gnomAD exomes below 0.00001; ExAC 0.00001.

Submission:

Evidence-based Network for the Interpretation of Germline Mutant Alleles (ENIGMA)
Classification: Pathogenic for Breast-ovarian cancer, familial, susceptibility to, 2. Last evaluated: 2017-12-15. Review status: reviewed by expert panel. Criteria: ENIGMA BRCA1/2 Classification Criteria (2017-06-29). Collection method: curation. Allele origin: germline. Study: ENIGMA.
Comment: Variant allele predicted to encode a truncated non-functional protein.

NM_000059.4(BRCA2):c.4160_4161insGGAAG (p.Thr1388fs)

Gene: BRCA2 (BRCA2 DNA repair associated; plus strand). Cytogenetic location: 13q13.1.
Variant type: Insertion.
Coding change: c.4160_4161insGGAAG on transcript NM_000059.4 (MANE Select); coding-DNA positions 4160 to 4161, GGAAG inserted.
Protein change: p.Thr1388fs; shifts the reading frame from threonine 1388.
Molecular consequence: frameshift variant.
Genome position: GRCh38 VCF-style: chr13-32338515-T-TGGAAG. GRCh37 (hg19) VCF-style: chr13-32912652-T-TGGAAG.
Other names: short protein forms T1388fs.
Identifiers: ClinVar variation 548397 (VCV000548397.1), dbSNP rs765444423, ClinGen allele CA6940756.
Genomic context (GRCh38, chr13:32,338,515, plus strand): 5'-AATTATCTGGCCAGTTTATGAAGGAGGGAAACACTCAGATTAAAGAAGATTTGTCAGATT[T>TGGAAG]AACTTTTTTGGAAGTTGCGAAAGCTCAAGAAGCATGTCATGGTAATACTTCAAATAAAGA-3'